The following is an entry in ClinVar:

NM_001365951.3(KIF1B):c.3040G>T (p.Ala1014Ser)

Gene: KIF1B (kinesin family member 1B; plus strand). Cytogenetic location: 1p36.22.
Variant type: single nucleotide variant.
Coding change: c.3040G>T on transcript NM_001365951.3 (MANE Select); coding-DNA position 3040, G replaced by T.
Protein change: p.Ala1014Ser; replaces alanine 1014 with serine.
Molecular consequence: missense variant.
Genome position (GRCh38, 1-based): chr1:10,334,635, G>T. VCF-style: chr1-10334635-G-T. GRCh37 (hg19) VCF-style: chr1-10394693-G-T.
Other names: c.3040G>T, p.Ala1014Ser (NM_001365952.1); c.2902G>T, p.Ala968Ser (NM_015074.3); short protein forms A968S, A1014S.
Identifiers: ClinVar variation 1797473 (VCV001797473.7), dbSNP rs772779601, ClinGen allele CA581676.

ClinVar aggregate classification (germline): Conflicting classifications of pathogenicity. Review status: criteria provided, conflicting classifications (1 of 4 stars). 3 submissions from 3 submitters: Uncertain significance (2); Likely benign (1). Last evaluated 2025-12-29.

Conditions:
Charcot-Marie-Tooth disease type 2. Also called: Charcot-Marie-Tooth type 2. Identifiers: Orphanet 64746, MedGen C0270914, MONDO:0018993.

Allele frequency attached by ClinVar (database versions not stated): gnomAD 0.00001.
gnomAD v4.1: 7 of 1,609,914 alleles (0.00043%); highest among the groups gnomAD compares: Non-Finnish European, 0.0006%; no homozygotes.

Submissions (3):

Women's Health and Genetics/Laboratory Corporation of America, LabCorp
Classification: Uncertain significance. Last evaluated: 2025-12-29. Review status: criteria provided, single submitter. Criteria: LabCorp Variant Classification Summary - May 2015. Collection method: clinical testing. Allele origin: germline.
Comment: Variant summary: KIF1B c.2902G>T (p.Ala968Ser) results in a conservative amino acid change in the encoded protein sequence. Algorithms developed to predict the effect of missense changes on protein structure and function are either unavailable or do not agree on the potential impact of this missense change. The variant allele was found at a frequency of 8e-06 in 251292 control chromosomes (gnomAD). The available data on variant occurrences in the general population are insufficient to allow any conclusion about variant significance. To our knowledge, no occurrence of c.2902G>T in individuals affected with KIF1B-related conditions and no experimental evidence demonstrating its impact on protein function have been reported. ClinVar contains an entry for this variant (Variation ID: 1797473). Based on the evidence outlined above, the variant was classified as uncertain significance.

Ambry Genetics
Classification: Likely benign. Last evaluated: 2024-10-25. Review status: criteria provided, single submitter. Criteria: Ambry Variant Classification Scheme 2023. Collection method: clinical testing. Allele origin: germline.

Labcorp Genetics (formerly Invitae), Labcorp
Classification: Uncertain significance for Charcot-Marie-Tooth disease type 2. Last evaluated: 2024-08-06. Review status: criteria provided, single submitter. Criteria: Invitae Variant Classification Sherloc (09022015). Collection method: clinical testing. Allele origin: germline.
Comment: This sequence change replaces alanine, which is neutral and non-polar, with serine, which is neutral and polar, at codon 968 of the KIF1B protein (p.Ala968Ser). This variant is present in population databases (rs772779601, gnomAD 0.002%). This variant has not been reported in the literature in individuals affected with KIF1B-related conditions. ClinVar contains an entry for this variant (Variation ID: 1797473). An algorithm developed to predict the effect of missense changes on protein structure and function (PolyPhen-2) suggests that this variant is likely to be tolerated. In summary, the available evidence is currently insufficient to determine the role of this variant in disease. Therefore, it has been classified as a Variant of Uncertain Significance.